The following is an entry in ClinVar:

NM_020442.6(VARS2):c.1400G>A (p.Arg467His)

Gene: VARS2 (valyl-tRNA synthetase 2, mitochondrial; plus strand). Cytogenetic location: 6p21.33.
Variant type: single nucleotide variant.
Coding change: c.1400G>A on transcript NM_020442.6 (MANE Select); coding-DNA position 1400, G replaced by A.
Protein change: p.Arg467His; replaces arginine 467 with histidine.
Molecular consequence: missense variant.
Genome position (GRCh38, 1-based): chr6:30,920,670, G>A. VCF-style: chr6-30920670-G-A. GRCh37 (hg19) VCF-style: chr6-30888447-G-A.
Other names: c.980G>A, p.Arg327His (NM_001167733.3); c.1490G>A, p.Arg497His (NM_001167734.2); short protein forms R497H, R327H, R467H.
Identifiers: ClinVar variation 933234 (VCV000933234.3), dbSNP rs775439829, ClinGen allele CA3705904.
Genomic context (GRCh38, chr6:30,920,670, plus strand): 5'-CCCCTGGGAGAAGTCACAGGGCCGGAAGAGCAGTGGACTCACCCTGTCTCTCTTTCAGCC[G>A]TTCTGGGGATGTGATAGAATACCTGCTGAAGAACCAGTGGTTTGTCCGCTGCCAGGAAAT-3'
Protein context (NP_065175.4, residues 457-477): NHPMVLPICS[Arg467His]SGDVIEYLLK

ClinVar aggregate classification (germline): Uncertain significance. Review status: criteria provided, single submitter (1 of 4 stars). 2 submissions from 2 submitters: Uncertain significance (1). 1 of the submissions does not count toward it. Last evaluated 2018-12-19.

Conditions:
Combined oxidative phosphorylation defect type 20. Also called: Combined oxidative phosphorylation deficiency 20. Identifiers: Orphanet 420728, MedGen C4014660, MONDO:0014397, OMIM 615917.

Allele frequency attached by ClinVar (database versions not stated): gnomAD 0.00001; gnomAD exomes 0.00001; TOPMed 0.00002; ExAC 0.00003.

Submissions (2):

Baylor Genetics
Classification: Uncertain significance for Combined oxidative phosphorylation defect type 20. Last evaluated: 2018-12-19. Review status: criteria provided, single submitter. Criteria: ACMG Guidelines, 2015. Collection method: clinical testing. Allele origin: unknown. Affected: yes.
Comment: This variant was determined to be of uncertain significance according to ACMG Guidelines, 2015 [PMID:25741868].

OMIM
Classification: Pathogenic for COMBINED OXIDATIVE PHOSPHORYLATION DEFICIENCY 20. Last evaluated: 2020-07-10. Review status: no assertion criteria provided. Collection method: literature only. Allele origin: germline. Not counted in ClinVar's aggregate classification.

Literature cited by the submitters: PubMed 29314548 (cited by OMIM).